The following is an entry in ClinVar:

NM_002103.5(GYS1):c.432C>T (p.Tyr144=)

Gene: GYS1 (glycogen synthase 1; minus strand). Cytogenetic location: 19q13.33.
Variant type: single nucleotide variant.
Coding change: c.432C>T on transcript NM_002103.5 (MANE Select); coding-DNA position 432, C replaced by T.
Protein change: p.Tyr144=; no amino-acid change (tyrosine 144 retained).
Molecular consequence: synonymous variant. On other transcripts: non-coding transcript variant (1), intron variant (1).
Genome position (GRCh38, 1-based): chr19:48,987,254, G>A on the plus strand (C>T on the coding strand, the complement: GYS1 is on the minus strand). VCF-style: chr19-48987254-G-A. GRCh37 (hg19) VCF-style: chr19-49490511-G-A.
Other names: c.301-1219C>T (NM_001161587.2); c.432C>T (NM_002103.4).
Identifiers: ClinVar variation 2140358 (VCV002140358.6), dbSNP rs772976547, ClinGen allele CA9563350.
Genomic context (GRCh38, chr19:48,987,254, plus strand): 5'-CTCACCCAGGAACCAGGTGGTCAGAAAGCCAAAGAGGACAGCGTCGTTGGCCTCGCGGTC[G>A]TACCACGGCACTCCGATGTTGCAGGTATCCCAGAGCTCTCCCTTCCAGCGCTCCAGGGCC-3'
Protein context (NP_002094.2, residues 134-154): WDTCNIGVPW[Tyr144=]DREANDAVLF

ClinVar aggregate classification (germline): Likely benign. Review status: criteria provided, single submitter (1 of 4 stars). 2 submissions from 2 submitters: Likely benign (1). 1 of the submissions does not count toward it. Last evaluated 2024-05-20.

Conditions:
GYS1-related disorder. Also called: GYS1-related condition.
Glycogen storage disease due to muscle and heart glycogen synthase deficiency. Also called: GSD 0b; MUSCLE GLYCOGEN SYNTHASE DEFICIENCY. Identifiers: Orphanet 137625, MedGen C1969054, MONDO:0012693, OMIM 611556.

Allele frequency attached by ClinVar (database versions not stated): gnomAD exomes 0.00002; gnomAD 0.00004; TOPMed 0.00005.
gnomAD v4.1: 34 of 1,613,200 alleles (0.0021%); highest among the groups gnomAD compares: East Asian, 0.016%; no homozygotes.

Submissions (2):

Labcorp Genetics (formerly Invitae), Labcorp
Classification: Likely benign for Glycogen storage disease due to muscle and heart glycogen synthase deficiency. Last evaluated: 2024-05-20. Review status: criteria provided, single submitter. Criteria: Invitae Variant Classification Sherloc (09022015). Collection method: clinical testing. Allele origin: germline.

PreventionGenetics, part of Exact Sciences
Classification: Likely benign for GYS1-related condition. Last evaluated: 2023-02-27. Review status: no assertion criteria provided. Collection method: clinical testing. Allele origin: germline. Not counted in ClinVar's aggregate classification.
Comment: This variant is classified as likely benign based on ACMG/AMP sequence variant interpretation guidelines (Richards et al. 2015 PMID: 25741868, with internal and published modifications).